The following is an entry in ClinVar:

ClinVar aggregate classification (germline): Uncertain significance. Review status: criteria provided, multiple submitters, no conflicts (2 of 4 stars). 2 submissions from 2 submitters: Uncertain significance (2). Last evaluated 2025-11-23.

Allele frequency attached by ClinVar (database versions not stated): gnomAD 0.00001; gnomAD exomes 0.00002; TOPMed 0.00002.
gnomAD v4.1: 17 of 1,553,558 alleles (0.0011%); highest among the groups gnomAD compares: Admixed American, 0.0039%; no homozygotes.

Submissions (2):

Labcorp Genetics (formerly Invitae), Labcorp
Classification: Uncertain significance. Last evaluated: 2025-11-23. Review status: criteria provided, single submitter. Criteria: Invitae Variant Classification Sherloc (09022015). Collection method: clinical testing. Allele origin: germline.
Comment: This sequence change replaces proline, which is neutral and non-polar, with leucine, which is neutral and non-polar, at codon 893 of the COL2A1 protein (p.Pro893Leu). The frequency data for this variant in the population databases is considered unreliable, as metrics indicate poor data quality at this position in the gnomAD database. This variant has not been reported in the literature in individuals affected with COL2A1-related conditions. ClinVar contains an entry for this variant (Variation ID: 1004902). Experimental studies and prediction algorithms are not available or were not evaluated, and the functional significance of this variant is currently unknown. In summary, the available evidence is currently insufficient to determine the role of this variant in disease. Therefore, it has been classified as a Variant of Uncertain Significance.

Clinical Genetics Laboratory, Skane University Hospital Lund
Classification: Uncertain significance. Last evaluated: 2023-07-10. Review status: criteria provided, single submitter. Criteria: ACMG Guidelines, 2015. Collection method: clinical testing. Allele origin: germline. Affected: yes.

NM_001844.5(COL2A1):c.2678C>T (p.Pro893Leu)

Gene: COL2A1 (collagen type II alpha 1 chain; minus strand). Cytogenetic location: 12q13.11.
Variant type: single nucleotide variant.
Coding change: c.2678C>T on transcript NM_001844.5 (MANE Select); coding-DNA position 2678, C replaced by T.
Protein change: p.Pro893Leu; replaces proline 893 with leucine.
Molecular consequence: missense variant.
Genome position (GRCh38, 1-based): chr12:47,980,010, G>A on the plus strand (C>T on the coding strand, the complement: COL2A1 is on the minus strand). VCF-style: chr12-47980010-G-A. GRCh37 (hg19) VCF-style: chr12-48373793-G-A.
Other names: c.2471C>T, p.Pro824Leu (NM_033150.3); short protein forms P824L, P893L.
Identifiers: ClinVar variation 1004902 (VCV001004902.9), dbSNP rs1394353561, ClinGen allele CA384544157.